The following is an entry in ClinVar:

ClinVar aggregate classification (germline): Uncertain significance (1 of 4 stars; one submission).

Submission:

Labcorp Genetics (formerly Invitae), Labcorp
Classification: Uncertain significance. Last evaluated: 2025-01-23. Review status: criteria provided, single submitter. Criteria: Invitae Variant Classification Sherloc (09022015). Collection method: clinical testing. Allele origin: germline.
Comment: This sequence change replaces arginine, which is basic and polar, with tryptophan, which is neutral and slightly polar, at codon 551 of the SBF1 protein (p.Arg551Trp). This variant is present in population databases (rs751671159, gnomAD 0.003%). This variant has not been reported in the literature in individuals affected with SBF1-related conditions. Invitae Evidence Modeling of protein sequence and biophysical properties (such as structural, functional, and spatial information, amino acid conservation, physicochemical variation, residue mobility, and thermodynamic stability) has been performed for this missense variant. However, the output from this modeling did not meet the statistical confidence thresholds required to predict the impact of this variant on SBF1 protein function. In summary, the available evidence is currently insufficient to determine the role of this variant in disease. Therefore, it has been classified as a Variant of Uncertain Significance.

NM_002972.4(SBF1):c.1651C>T (p.Arg551Trp)

Gene: SBF1 (SET binding factor 1; minus strand). Cytogenetic location: 22q13.33.
Variant type: single nucleotide variant.
Coding change: c.1651C>T on transcript NM_002972.4 (MANE Select); coding-DNA position 1651, C replaced by T.
Protein change: p.Arg551Trp; replaces arginine 551 with tryptophan.
Molecular consequence: missense variant.
Genome position (GRCh38, 1-based): chr22:50,464,427, G>A on the plus strand (C>T on the coding strand, the complement: SBF1 is on the minus strand). VCF-style: chr22-50464427-G-A. GRCh37 (hg19) VCF-style: chr22-50902856-G-A.
Other names: c.1654C>T, p.Arg552Trp (NM_001365819.1, NM_001410794.1); c.1651C>T, p.Arg551Trp (NM_001410795.1); short protein forms R551W, R552W.
Identifiers: ClinVar variation 3605209 (VCV003605209.2).